The following is an entry in ClinVar:

ClinVar aggregate classification (germline): Conflicting classifications of pathogenicity. Review status: criteria provided, conflicting classifications (1 of 4 stars). 3 submissions from 3 submitters: Uncertain significance (1); Likely benign (2). Last evaluated 2026-03-01.

Submissions (3):

CeGaT Center for Human Genetics Tuebingen
Classification: Likely benign. Last evaluated: 2026-03-01. Review status: criteria provided, single submitter. Criteria: CeGaT Center For Human Genetics Tuebingen Variant Classification Criteria Version 2. Collection method: clinical testing. Allele origin: germline. Affected: yes. Observed: 2 variant alleles.
Comment: SLC9A7: BS2

Labcorp Genetics (formerly Invitae), Labcorp
Classification: Uncertain significance. Last evaluated: 2025-09-09. Review status: criteria provided, single submitter. Criteria: Invitae Variant Classification Sherloc (09022015). Collection method: clinical testing. Allele origin: germline.
Comment: This sequence change replaces alanine, which is neutral and non-polar, with threonine, which is neutral and polar, at codon 38 of the SLC9A7 protein (p.Ala38Thr). This variant is present in population databases (rs782799890, gnomAD 0.2%), and has an allele count higher than expected for a pathogenic variant. This variant has not been reported in the literature in individuals affected with SLC9A7-related conditions. ClinVar contains an entry for this variant (Variation ID: 3911553). Experimental studies and prediction algorithms are not available or were not evaluated, and the functional significance of this variant is currently unknown. In summary, the available evidence is currently insufficient to determine the role of this variant in disease. Therefore, it has been classified as a Variant of Uncertain Significance.

Laboratory of Genetics, Children's Clinical University Hospital Latvia
Classification: Likely benign. Last evaluated: 2025-02-16. Review status: criteria provided, single submitter. Criteria: ACMG Guidelines, 2015. Collection method: clinical testing. Allele origin: germline. Affected: yes.

NM_001257291.2(SLC9A7):c.112G>A (p.Ala38Thr)

Genes: SLC9A7 (solute carrier family 9 member A7; minus strand), LOC130068197 (ATAC-STARR-seq lymphoblastoid silent region 20793; plus strand). Cytogenetic location: Xp11.3.
Variant type: single nucleotide variant.
Coding change: c.112G>A on transcript NM_001257291.2 (MANE Select); coding-DNA position 112, G replaced by A.
Protein change: p.Ala38Thr; replaces alanine 38 with threonine.
Molecular consequence: missense variant.
Genome position (GRCh38, 1-based): chrX:46,758,918, C>T on the plus strand (G>A on the coding strand, the complement: SLC9A7 is on the minus strand). VCF-style: chrX-46758918-C-T. GRCh37 (hg19) VCF-style: chrX-46618353-C-T.
Other names: c.112G>A, p.Ala38Thr (NM_032591.3); short protein forms A38T.
Identifiers: ClinVar variation 3911553 (VCV003911553.9).